The following is an entry in ClinVar:

ClinVar aggregate classification (germline): Uncertain significance. Review status: criteria provided, multiple submitters, no conflicts (2 of 4 stars). 2 submissions from 2 submitters: Uncertain significance (2). Last evaluated 2025-04-29.

Conditions:
Inborn genetic diseases. Identifiers: MedGen C0950123, MeSH D030342.

Allele frequency attached by ClinVar (database versions not stated): gnomAD 0.00001; TOPMed 0.00002; gnomAD exomes 0.00003; ExAC 0.00004.
gnomAD v4.1: 44 of 1,611,984 alleles (0.0027%); highest among the groups gnomAD compares: Middle Eastern, 0.049%; no homozygotes.

Submissions (2):

Labcorp Genetics (formerly Invitae), Labcorp
Classification: Uncertain significance. Last evaluated: 2025-04-29. Review status: criteria provided, single submitter. Criteria: Invitae Variant Classification Sherloc (09022015). Collection method: clinical testing. Allele origin: germline.
Comment: This sequence change replaces methionine, which is neutral and non-polar, with valine, which is neutral and non-polar, at codon 430 of the WDR11 protein (p.Met430Val). This variant is present in population databases (rs199871984, gnomAD 0.02%). This variant has not been reported in the literature in individuals affected with WDR11-related conditions. ClinVar contains an entry for this variant (Variation ID: 3189828). An algorithm developed to predict the effect of missense changes on protein structure and function (PolyPhen-2) suggests that this variant is likely to be tolerated. In summary, the available evidence is currently insufficient to determine the role of this variant in disease. Therefore, it has been classified as a Variant of Uncertain Significance.

Ambry Genetics
Classification: Uncertain significance for Inborn genetic diseases. Last evaluated: 2021-12-03. Review status: criteria provided, single submitter. Criteria: Ambry Variant Classification Scheme 2023. Collection method: clinical testing. Allele origin: germline.

NM_018117.12(WDR11):c.1288A>G (p.Met430Val)

Gene: WDR11 (WD repeat domain 11; plus strand). Cytogenetic location: 10q26.12.
Variant type: single nucleotide variant.
Coding change: c.1288A>G on transcript NM_018117.12 (MANE Select); coding-DNA position 1288, A replaced by G.
Protein change: p.Met430Val; replaces methionine 430 with valine.
Molecular consequence: missense variant.
Genome position (GRCh38, 1-based): chr10:120,867,163, A>G. VCF-style: chr10-120867163-A-G. GRCh37 (hg19) VCF-style: chr10-122626675-A-G.
Other names: short protein forms M430V.
Identifiers: ClinVar variation 3189828 (VCV003189828.2), dbSNP rs199871984, ClinGen allele CA5719669.